The following is an entry in ClinVar:

ClinVar aggregate classification (germline): Uncertain significance. Review status: criteria provided, multiple submitters, no conflicts (2 of 4 stars). 2 submissions from 2 submitters: Uncertain significance (2). Last evaluated 2026-06-23.

Conditions:
TTN-related disorder. Also called: TTN-related disorders; TTN-related condition; TTN-related disease.

Allele frequency attached by ClinVar (database versions not stated): gnomAD 0.00001 and 0.00002; TOPMed 0.00001; 1000 Genomes Project 30x 0.00016; 1000 Genomes Project 0.00020.
gnomAD v4.1: 8 of 1,612,628 alleles (0.0005%); highest among the groups gnomAD compares: Admixed American, 0.013%; no homozygotes.

Submissions (2):

PreventionGenetics, part of Exact Sciences
Classification: Uncertain significance for TTN-related condition. Last evaluated: 2026-06-23. Review status: criteria provided, single submitter. Criteria: ACMG Guidelines, 2015. Collection method: clinical testing. Allele origin: germline.
Comment: The TTN c.76619C>A variant is predicted to result in the amino acid substitution p.Pro25540Gln. To our knowledge, this variant has not been reported in the literature. This variant is reported in 0.0028% of alleles in individuals of Latino descent in gnomAD. At this time, the clinical significance of this variant is uncertain due to the absence of conclusive functional and genetic evidence.

GeneDx
Classification: Uncertain significance. Last evaluated: 2021-05-05. Review status: criteria provided, single submitter. Criteria: GeneDx Variant Classification Process June 2021. Collection method: clinical testing. Allele origin: germline. Affected: yes.
Comment: Not observed at a significant frequency in large population cohorts (Lek et al., 2016); Missense variant in a gene in which most reported pathogenic variants are truncating/loss-of-function; Has not been previously published as pathogenic or benign to our knowledge

NM_001267550.2(TTN):c.76619C>A (p.Pro25540Gln)

Genes: TTN (titin; minus strand), TTN-AS1 (TTN antisense RNA 1; plus strand). Cytogenetic location: 2q31.2.
Variant type: single nucleotide variant.
Coding change: c.76619C>A on transcript NM_001267550.2 (MANE Select); coding-DNA position 76619, C replaced by A.
Protein change: p.Pro25540Gln; replaces proline 25540 with glutamine.
Molecular consequence: missense variant.
Genome position (GRCh38, 1-based): chr2:178,569,513, G>T on the plus strand (C>A on the coding strand, the complement: TTN is on the minus strand). VCF-style: chr2-178569513-G-T. GRCh37 (hg19) VCF-style: chr2-179434240-G-T.
Other names: c.71696C>A, p.Pro23899Gln (NM_001256850.1); c.49424C>A, p.Pro16475Gln (NM_003319.4); c.68915C>A, p.Pro22972Gln (NM_133378.4); c.49799C>A, p.Pro16600Gln (NM_133432.3); c.50000C>A, p.Pro16667Gln (NM_133437.4); short protein forms P16475Q, P16600Q, P16667Q, P22972Q, P23899Q, P25540Q.
Identifiers: ClinVar variation 1190671 (VCV001190671.3), dbSNP rs541464855, ClinGen allele CA60993773.